The following is an entry in ClinVar:

ClinVar aggregate classification (germline): Uncertain significance (1 of 4 stars; one submission).

Conditions:
Hereditary cancer-predisposing syndrome. Also called: Hereditary Cancer Syndrome; Hereditary neoplastic syndrome; Neoplastic Syndromes, Hereditary; Tumor predisposition. Identifiers: Orphanet 140162, MedGen C0027672, MeSH D009386, MONDO:0015356.

Submission:

Ambry Genetics
Classification: Uncertain significance for Hereditary cancer-predisposing syndrome. Last evaluated: 2022-08-29. Review status: criteria provided, single submitter. Criteria: Ambry Variant Classification Scheme 2023. Collection method: clinical testing. Allele origin: germline.
Comment: The p.A402V variant (also known as c.1205C>T), located in coding exon 12 of the NF2 gene, results from a C to T substitution at nucleotide position 1205. The alanine at codon 402 is replaced by valine, an amino acid with similar properties. This amino acid position is conserved. In addition, the in silico prediction for this alteration is inconclusive. Since supporting evidence is limited at this time, the clinical significance of this alteration remains unclear.

NM_000268.4(NF2):c.1205C>T (p.Ala402Val)

Gene: NF2 (NF2, moesin-ezrin-radixin like (MERLIN) tumor suppressor; plus strand). Cytogenetic location: 22q12.2.
Variant type: single nucleotide variant.
Coding change: c.1205C>T on transcript NM_000268.4 (MANE Select); coding-DNA position 1205, C replaced by T.
Protein change: p.Ala402Val; replaces alanine 402 with valine.
Molecular consequence: missense variant. On other transcripts: non-coding transcript variant (1), intron variant (1).
Genome position (GRCh38, 1-based): chr22:29,673,351, C>T. VCF-style: chr22-29673351-C-T. GRCh37 (hg19) VCF-style: chr22-30069340-C-T.
Other names: c.1091C>T, p.Ala364Val (NM_001407053.1, NM_001407056.1); c.1082C>T, p.Ala361Val (NM_001407054.1, NM_001407058.1, NM_181829.3); c.1079C>T, p.Ala360Val (NM_001407055.1, NM_181828.3); c.1070C>T, p.Ala357Val (NM_001407057.1, NM_001407059.1); c.1205C>T, p.Ala402Val (NM_001407060.1, NM_001407066.1, NM_016418.5 and 2 more transcripts); c.947C>T, p.Ala316Val (NM_001407062.1); c.956C>T, p.Ala319Val (NM_001407063.1, NM_001407064.1, NM_181830.3 and 1 more transcripts); c.671C>T, p.Ala224Val (NM_001407065.1); and 2 more; short protein forms A319V, A325V, A357V, A224V, A316V, A360V, A361V, A364V.
Identifiers: ClinVar variation 1748637 (VCV001748637.2), dbSNP rs2147082739, ClinGen allele CA411148151.